The following is an entry in ClinVar:

ClinVar aggregate classification (germline): Conflicting classifications of pathogenicity. Review status: criteria provided, conflicting classifications (1 of 4 stars). 4 submissions from 4 submitters: Uncertain significance (3); Likely benign (1). Last evaluated 2026-04-02.

Conditions:
Hereditary cancer-predisposing syndrome. Also called: Neoplastic Syndromes, Hereditary; Hereditary Cancer Syndrome; Tumor predisposition; Hereditary neoplastic syndrome. Identifiers: Orphanet 140162, MedGen C0027672, MeSH D009386, MONDO:0015356.
POT1-related disorder. Also called: POT1-related condition.
Tumor predisposition syndrome 3 (TPDS3). Also called: LONG TELOMERE SYNDROME, POT1-RELATED; POT1 Tumor Predisposition; Melanoma, cutaneous malignant, susceptibility to, 10; Glioma susceptibility 9. Identifiers: Orphanet 618, MedGen C4014476, MONDO:0014368, OMIM 615848.

Allele frequency attached by ClinVar (database versions not stated): gnomAD exomes below 0.00001; gnomAD 0.00001; TOPMed 0.00001.
gnomAD v4.1: 3 of 1,613,352 alleles (0.00019%); highest among the groups gnomAD compares: East Asian, 0.0045%; no homozygotes.

Submissions (4):

PreventionGenetics, part of Exact Sciences
Classification: Uncertain significance for POT1-related condition. Last evaluated: 2026-04-02. Review status: criteria provided, single submitter. Criteria: ACMG Guidelines, 2015. Collection method: clinical testing. Allele origin: germline.
Comment: The POT1 c.1394A>G variant is predicted to result in the amino acid substitution p.Lys465Arg. To our knowledge, this variant has not been reported in the literature. This variant is reported in 0.0054% of alleles in individuals of East Asian descent in gnomAD and has conflicting interpretations in ClinVar ranging from likely benign to uncertain (Variation ID: 819078). At this time, the clinical significance of this variant is uncertain due to the absence of conclusive functional and genetic evidence.

Labcorp Genetics (formerly Invitae), Labcorp
Classification: Uncertain significance for Tumor predisposition syndrome 3. Last evaluated: 2026-01-25. Review status: criteria provided, single submitter. Criteria: Invitae Variant Classification Sherloc (09022015). Collection method: clinical testing. Allele origin: germline.
Comment: This sequence change replaces lysine, which is basic and polar, with arginine, which is basic and polar, at codon 465 of the POT1 protein (p.Lys465Arg). This variant is present in population databases (rs369417655, gnomAD 0.006%). This variant has not been reported in the literature in individuals affected with POT1-related conditions. ClinVar contains an entry for this variant (Variation ID: 819078). Invitae Evidence Modeling of protein sequence and biophysical properties (such as structural, functional, and spatial information, amino acid conservation, physicochemical variation, residue mobility, and thermodynamic stability) indicates that this missense variant is not expected to disrupt POT1 protein function with a negative predictive value of 80%. In summary, the available evidence is currently insufficient to determine the role of this variant in disease. Therefore, it has been classified as a Variant of Uncertain Significance.

Ambry Genetics
Classification: Likely benign for Hereditary cancer-predisposing syndrome. Last evaluated: 2025-01-29. Review status: criteria provided, single submitter. Criteria: Ambry Variant Classification Scheme 2023. Collection method: clinical testing. Allele origin: germline.

Quest Diagnostics Nichols Institute San Juan Capistrano
Classification: Uncertain significance. Last evaluated: 2022-07-23. Review status: criteria provided, single submitter. Criteria: Quest Diagnostics criteria. Collection method: clinical testing. Allele origin: unknown.
Comment: The variant has not been reported in the published literature. The frequency of this variant in the general population, 0.000054 (1/18388 chromosomes), is uninformative in assessment of its pathogenicity. Analysis of this variant using bioinformatics tools for the prediction of the effect of amino acid changes on protein structure and function yielded predictions that this variant is benign. Based on the available information, we are unable to determine the clinical significance of this variant.

NM_015450.3(POT1):c.1394A>G (p.Lys465Arg)

Gene: POT1 (protection of telomeres 1; minus strand). Cytogenetic location: 7q31.33.
Variant type: single nucleotide variant.
Coding change: c.1394A>G on transcript NM_015450.3 (MANE Select); coding-DNA position 1394, A replaced by G.
Protein change: p.Lys465Arg; replaces lysine 465 with arginine.
Molecular consequence: missense variant. On other transcripts: non-coding transcript variant (3).
Genome position (GRCh38, 1-based): chr7:124,835,390, T>C on the plus strand (A>G on the coding strand, the complement: POT1 is on the minus strand). VCF-style: chr7-124835390-T-C. GRCh37 (hg19) VCF-style: chr7-124475444-T-C.
Other names: c.1001A>G, p.Lys334Arg (NM_001042594.2); short protein forms K334R, K465R.
Identifiers: ClinVar variation 819078 (VCV000819078.15), dbSNP rs369417655, ClinGen allele CA166100721.
Genomic context (GRCh38, chr7:124,835,390, plus strand): 5'-AGTTCCAGGTCTTCGTGGCCAGATCTCACAGGAATTACACTATTAAACTTGTTCGAGAGT[T>C]TGCAAATTTCACTGAGTGTACCTCCTGTTAAGAGAATAAATAAATCCTTCAAGTAGTGCA-3'
Protein context (NP_056265.2, residues 455-475): IEGGTLSEIC[Lys465Arg]LSNKFNSVIP